The following is an entry in ClinVar:

ClinVar aggregate classification (germline): Uncertain significance. Review status: criteria provided, multiple submitters, no conflicts (2 of 4 stars). 2 submissions from 2 submitters: Uncertain significance (2). Last evaluated 2023-03-27.

Allele frequency attached by ClinVar (database versions not stated): TOPMed 0.00001; gnomAD 0.00002; ExAC 0.00003.

Submissions (2):

GeneDx
Classification: Uncertain significance. Last evaluated: 2023-03-27. Review status: criteria provided, single submitter. Criteria: GeneDx Variant Classification Process June 2021. Collection method: clinical testing. Allele origin: germline. Affected: yes.
Comment: Not observed at significant frequency in large population cohorts (gnomAD); In silico analysis supports that this missense variant has a deleterious effect on protein structure/function; Has not been previously published as pathogenic or benign to our knowledge

Blueprint Genetics
Classification: Uncertain significance. Last evaluated: 2021-09-08. Review status: criteria provided, single submitter. Criteria: ACMG Guidelines, 2015. Collection method: clinical testing. Allele origin: germline.

NM_206933.4(USH2A):c.1651C>T (p.Arg551Cys)

Gene: USH2A (usherin; minus strand). Cytogenetic location: 1q41.
Variant type: single nucleotide variant.
Coding change: c.1651C>T on transcript NM_206933.4 (MANE Select); coding-DNA position 1651, C replaced by T.
Protein change: p.Arg551Cys; replaces arginine 551 with cysteine.
Molecular consequence: missense variant.
Genome position (GRCh38, 1-based): chr1:216,292,364, G>A on the plus strand (C>T on the coding strand, the complement: USH2A is on the minus strand). VCF-style: chr1-216292364-G-A. GRCh37 (hg19) VCF-style: chr1-216465706-G-A.
Other names: c.1651C>T, p.Arg551Cys (NM_007123.6); short protein forms R551C.
Identifiers: ClinVar variation 2581733 (VCV002581733.2), dbSNP rs776211037, ClinGen allele CA1396434.
Genomic context (GRCh38, chr1:216,292,364, plus strand): 5'-TGAAAGCGTAAACTTGATCACCTTGGCGGAAAGGCTTGTCATTATAAAGAGGCAAGCAGC[G>A]ATCACACTAGAACAAAAAATATCAGAACAGTAAAGAAAATAAAGCTGTGATTTTCTTTCA-3'
Protein context (NP_996816.3, residues 541-561): ESFTEGLHCD[Arg551Cys]CLPLYNDKPF